The following is an entry in ClinVar:

ClinVar aggregate classification (germline): Uncertain significance (1 of 4 stars; one submission).

Conditions:
Hypertrophic cardiomyopathy. Also called: HYPERTROPHIC MYOCARDIOPATHY. Identifiers: Orphanet 217569, MedGen C0007194, MeSH D002312, MONDO:0005045, HP:0001639.

Submission:

All of Us Research Program, National Institutes of Health
Classification: Uncertain significance for Hypertrophic cardiomyopathy. Last evaluated: 2023-11-30. Review status: criteria provided, single submitter. Criteria: ACMG Guidelines, 2015. Collection method: clinical testing. Allele origin: germline. Inheritance: Autosomal dominant inheritance. Observed: 1 variant allele, 1 heterozygote.
Comment: This study involves interpretation of variants in research participants for the purpose of population health screening. Participant phenotype was not available at the time of variant classification. Additional details can be found in publication PMID: 35346344, PMCID: PMC8962531

NM_000256.3(MYBPC3):c.646G>C (p.Ala216Pro)

Gene: MYBPC3 (myosin binding protein C3; minus strand). Cytogenetic location: 11p11.2.
Variant type: single nucleotide variant.
Coding change: c.646G>C on transcript NM_000256.3 (MANE Select); coding-DNA position 646, G replaced by C.
Protein change: p.Ala216Pro; replaces alanine 216 with proline.
Molecular consequence: missense variant.
Genome position (GRCh38, 1-based): chr11:47,349,782, C>G on the plus strand (G>C on the coding strand, the complement: MYBPC3 is on the minus strand). VCF-style: chr11-47349782-C-G. GRCh37 (hg19) VCF-style: chr11-47371333-C-G.
Other names: short protein forms A216P.
Identifiers: ClinVar variation 3073884 (VCV003073884.1), dbSNP rs201098973, ClinGen allele CA380337164.